The following is an entry in ClinVar:

NM_020297.4(ABCC9):c.2170A>T (p.Thr724Ser)

Gene: ABCC9 (ATP binding cassette subfamily C member 9; minus strand). Cytogenetic location: 12p12.1.
Variant type: single nucleotide variant.
Coding change: c.2170A>T on transcript NM_020297.4 (MANE Select); coding-DNA position 2170, A replaced by T.
Protein change: p.Thr724Ser; replaces threonine 724 with serine.
Molecular consequence: missense variant.
Genome position (GRCh38, 1-based): chr12:21,872,653, T>A on the plus strand (A>T on the coding strand, the complement: ABCC9 is on the minus strand). VCF-style: chr12-21872653-T-A. GRCh37 (hg19) VCF-style: chr12-22025587-T-A.
Other names: c.2170A>T, p.Thr724Ser (NM_001377273.1, NM_005691.4); c.1306A>T, p.Thr436Ser (NM_001377274.1); short protein forms T436S, T724S.
Identifiers: ClinVar variation 2732927 (VCV002732927.3), dbSNP rs2541325385, ClinGen allele CA384132499.

ClinVar aggregate classification (germline): Uncertain significance (1 of 4 stars; one submission).

Conditions:
Dilated cardiomyopathy 1O (CMD1O). Also called: CARDIOMYOPATHY, DILATED, WITH VENTRICULAR TACHYCARDIA. Identifiers: Orphanet 154, MedGen C1837839, MONDO:0012062, OMIM 608569.

Submission:

Labcorp Genetics (formerly Invitae), Labcorp
Classification: Uncertain significance for Dilated cardiomyopathy 1O. Last evaluated: 2023-06-29. Review status: criteria provided, single submitter. Criteria: Invitae Variant Classification Sherloc (09022015). Collection method: clinical testing. Allele origin: germline.
Comment: This sequence change replaces threonine, which is neutral and polar, with serine, which is neutral and polar, at codon 724 of the ABCC9 protein (p.Thr724Ser). This variant is not present in population databases (gnomAD no frequency). This variant has not been reported in the literature in individuals affected with ABCC9-related conditions. Advanced modeling of protein sequence and biophysical properties (such as structural, functional, and spatial information, amino acid conservation, physicochemical variation, residue mobility, and thermodynamic stability) has been performed at Invitae for this missense variant, however the output from this modeling did not meet the statistical confidence thresholds required to predict the impact of this variant on ABCC9 protein function. In summary, the available evidence is currently insufficient to determine the role of this variant in disease. Therefore, it has been classified as a Variant of Uncertain Significance.